The following is an entry in ClinVar:

ClinVar aggregate classification (germline): Uncertain significance (1 of 4 stars; one submission).

Submission:

GeneDx
Classification: Uncertain significance. Last evaluated: 2024-06-01. Review status: criteria provided, single submitter. Criteria: GeneDx Variant Classification Process June 2021. Collection method: clinical testing. Allele origin: germline.
Comment: Not observed at significant frequency in large population cohorts (gnomAD); In silico analysis supports that this missense variant has a deleterious effect on protein structure/function; Has not been previously published as pathogenic or benign to our knowledge

NM_138927.4(SON):c.3227C>T (p.Ser1076Phe)

Gene: SON (SON DNA and RNA binding protein; plus strand). Cytogenetic location: 21q22.11.
Variant type: single nucleotide variant.
Coding change: c.3227C>T on transcript NM_138927.4 (MANE Select); coding-DNA position 3227, C replaced by T.
Protein change: p.Ser1076Phe; replaces serine 1076 with phenylalanine.
Molecular consequence: missense variant. On other transcripts: non-coding transcript variant (1), intron variant (1).
Genome position (GRCh38, 1-based): chr21:33,552,458, C>T. VCF-style: chr21-33552458-C-T. GRCh37 (hg19) VCF-style: chr21-34924764-C-T.
Other names: c.3227C>T, p.Ser1076Phe (NM_001291411.2, NM_001412133.1, NM_032195.3 and 2 more transcripts); c.245-4698C>T (NM_001291412.3); c.3227C>T (NM_138927.2); short protein forms S1076F.
Identifiers: ClinVar variation 2662768 (VCV002662768.2), dbSNP rs2517369681, ClinGen allele CA410159749.